The following is an entry in ClinVar:

NM_000129.4(F13A1):c.723T>G (p.Tyr241Ter)

Gene: F13A1 (coagulation factor XIII A chain; minus strand). Cytogenetic location: 6p25.1.
Variant type: single nucleotide variant.
Coding change: c.723T>G on transcript NM_000129.4 (MANE Select); coding-DNA position 723, T replaced by G.
Protein change: p.Tyr241Ter; replaces tyrosine 241 with a stop codon.
Molecular consequence: nonsense.
Genome position (GRCh38, 1-based): chr6:6,248,387, A>C on the plus strand (T>G on the coding strand, the complement: F13A1 is on the minus strand). VCF-style: chr6-6248387-A-C. GRCh37 (hg19) VCF-style: chr6-6248620-A-C.
Other names: short protein forms Y241*.
Identifiers: ClinVar variation 2572108 (VCV002572108.1), dbSNP rs1176119481, ClinGen allele CA362740407.
Genomic context (GRCh38, chr6:6,248,387, plus strand): 5'-ACGGCTGACTTTGATGGGATTCCCTCTTCCAGAGAGGTCCATTTGTGCTCTGTCCATCAC[A>C]TACAGGCAAGTGTCCAGGATGCCATCTTCAAACTATTTGGAGAAAGAAAAACAAAGAGAA-3'

ClinVar aggregate classification (germline): Likely pathogenic (1 of 4 stars; one submission).

Conditions:
Factor XIII, A subunit, deficiency of. Also called: Factor XIII subunit A deficiency. Identifiers: Orphanet 331, MedGen C2750514, MONDO:0013187, OMIM 613225, HP:0040233.

Submission:

ISTH-SSC Genomics in Thrombosis and Hemostasis, KU Leuven, Center for Molecular and Vascular Biology
Classification: Likely pathogenic for Factor XIII, A subunit, deficiency of. Review status: criteria provided, single submitter. Criteria: ACMG Guidelines, 2015. Collection method: clinical testing. Allele origin: germline. Affected: yes. Observed: 1 compound heterozygote.
Comment: Submitted to the GoldVariant database by Kathleen Freson, Center for Molecular and Vascular Biology